The following is an entry in ClinVar:

ClinVar aggregate classification (germline): Uncertain significance (1 of 4 stars; one submission).

Conditions:
Neuronal ceroid lipofuscinosis 11. Also called: GRN-Related Neuronal Ceroid-Lipofuscinosis. Identifiers: Orphanet 314629, Orphanet 79262, MedGen C3539123, MONDO:0013866, OMIM 614706.
GRN-related frontotemporal lobar degeneration with Tdp43 inclusions (FTD2). Also called: DEMENTIA, HEREDITARY DYSPHASIC DISINHIBITION; FRONTOTEMPORAL LOBAR DEGENERATION WITH UBIQUITIN-POSITIVE INCLUSIONS; FTLD-TDP, GRN-RELATED; GRN Frontotemporal Dementia; FRONTOTEMPORAL DEMENTIA WITH TDP43 INCLUSIONS, GRN-RELATED. Identifiers: Orphanet 100070, Orphanet 282, MedGen C1843792, MONDO:0011842, OMIM 607485. Disease mechanism: loss of function.

gnomAD v4.1: 3 of 1,613,126 alleles (0.00019%); highest among the groups gnomAD compares: Non-Finnish European, 0.00025%; no homozygotes.

Submission:

Labcorp Genetics (formerly Invitae), Labcorp
Classification: Uncertain significance for Neuronal ceroid lipofuscinosis 11; GRN-related frontotemporal lobar degeneration with Tdp43 inclusions. Last evaluated: 2024-10-06. Review status: criteria provided, single submitter. Criteria: Invitae Variant Classification Sherloc (09022015). Collection method: clinical testing. Allele origin: germline.
Comment: This sequence change replaces isoleucine, which is neutral and non-polar, with valine, which is neutral and non-polar, at codon 391 of the GRN protein (p.Ile391Val). This variant is not present in population databases (gnomAD no frequency). This variant has not been reported in the literature in individuals affected with GRN-related conditions. Invitae Evidence Modeling of protein sequence and biophysical properties (such as structural, functional, and spatial information, amino acid conservation, physicochemical variation, residue mobility, and thermodynamic stability) indicates that this missense variant is not expected to disrupt GRN protein function with a negative predictive value of 80%. In summary, the available evidence is currently insufficient to determine the role of this variant in disease. Therefore, it has been classified as a Variant of Uncertain Significance.

NM_002087.4(GRN):c.1171A>G (p.Ile391Val)

Gene: GRN (granulin precursor; plus strand). Cytogenetic location: 17q21.31.
Variant type: single nucleotide variant.
Coding change: c.1171A>G on transcript NM_002087.4 (MANE Select); coding-DNA position 1171, A replaced by G.
Protein change: p.Ile391Val; replaces isoleucine 391 with valine.
Molecular consequence: missense variant.
Genome position (GRCh38, 1-based): chr17:44,351,787, A>G. VCF-style: chr17-44351787-A-G. GRCh37 (hg19) VCF-style: chr17-42429155-A-G.
Other names: short protein forms I391V.
Identifiers: ClinVar variation 3749463 (VCV003749463.2).